The following is an entry in ClinVar:

ClinVar aggregate classification (germline): Uncertain significance (1 of 4 stars; one submission).

Allele frequency attached by ClinVar (database versions not stated): ExAC 0.00001; gnomAD 0.00001; 1000 Genomes Project 0.00020; 1000 Genomes Project 30x 0.00031.
gnomAD v4.1: 1 of 1,611,812 alleles (0.000062%); highest among the groups gnomAD compares: Admixed American, 0.0017%; no homozygotes.

Submission:

Labcorp Genetics (formerly Invitae), Labcorp
Classification: Uncertain significance. Last evaluated: 2021-07-11. Review status: criteria provided, single submitter. Criteria: Invitae Variant Classification Sherloc (09022015). Collection method: clinical testing. Allele origin: germline.
Comment: In summary, the available evidence is currently insufficient to determine the role of this variant in disease. Therefore, it has been classified as a Variant of Uncertain Significance. Algorithms developed to predict the effect of missense changes on protein structure and function are either unavailable or do not agree on the potential impact of this missense change (SIFT: "Deleterious"; PolyPhen-2: "Benign"; Align-GVGD: "Class C0"). This variant has not been reported in the literature in individuals affected with FBXO11-related conditions. This variant is present in population databases (rs565035226, ExAC 0.009%). This sequence change replaces lysine with arginine at codon 217 of the FBXO11 protein (p.Lys217Arg). The lysine residue is highly conserved and there is a small physicochemical difference between lysine and arginine.

NM_001190274.2(FBXO11):c.650A>G (p.Lys217Arg)

Gene: FBXO11 (F-box protein 11; minus strand). Cytogenetic location: 2p16.3.
Variant type: single nucleotide variant.
Coding change: c.650A>G on transcript NM_001190274.2 (MANE Select); coding-DNA position 650, A replaced by G.
Protein change: p.Lys217Arg; replaces lysine 217 with arginine.
Molecular consequence: missense variant.
Genome position (GRCh38, 1-based): chr2:47,835,939, T>C on the plus strand (A>G on the coding strand, the complement: FBXO11 is on the minus strand). VCF-style: chr2-47835939-T-C. GRCh37 (hg19) VCF-style: chr2-48063078-T-C.
Other names: c.398A>G, p.Lys133Arg (NM_001374325.1, NM_025133.4); short protein forms K133R, K217R.
Identifiers: ClinVar variation 1486151 (VCV001486151.8), dbSNP rs565035226, ClinGen allele CA1650063.